The following is an entry in ClinVar:

ClinVar aggregate classification (germline): Uncertain significance (1 of 4 stars; one submission).

Conditions:
Choroideremia. Also called: Chorioretinal scalloped atrophy. Identifiers: Orphanet 180, MedGen C0008525, MONDO:0010557, OMIM 303100, HP:0001139.

Submission:

Myriad Genetics, Inc.
Classification: Uncertain significance for Choroideremia. Last evaluated: 2026-08-27. Review status: criteria provided, single submitter. Criteria: Myriad Autosomal Dominant, Autosomal Recessive and X-Linked Classification Criteria (2023). Collection method: clinical testing. Allele origin: unknown.
Comment: NM_000390.2(CHM):c.729_740del12(D244_I247del) is an in-frame deletion classified as a variant of uncertain significance in the context of X-linked choroideremia. D244_I247del has not been observed in cases with relevant disease. Relevant functional assessments of this variant are not available in the literature. D244_I247del has not been observed in referenced population frequency databases. In summary, there is insufficient evidence to classify NM_000390.2(CHM):c.729_740del12(D244_I247del) as pathogenic or benign. Please note: this variant was assessed in the context of healthy population screening.

NM_000390.4(CHM):c.729_740del (p.Asp244_Ile247del)

Gene: CHM (CHM Rab escort protein; minus strand). Cytogenetic location: Xq21.2.
Variant type: Deletion.
Coding change: c.729_740del on transcript NM_000390.4 (MANE Select); coding-DNA positions 729 to 740, 12 bases deleted (TGATCTTCTAAT).
Protein change: p.Asp244_Ile247del.
Molecular consequence: inframe deletion.
Genome position (GRCh38, 1-based): chrX:85,958,940-85,958,951, ATTAGAAGATCA deleted on the plus strand (TGATCTTCTAAT on the coding strand, the reverse complement: CHM is on the minus strand); deleting any 12 consecutive bases within chrX:85,958,940-85,958,956 gives the same sequence; the c. name uses the placement nearest the transcript's 3' end. VCF-style (leftmost placement, unchanged base first): chrX-85958939-GATTAGAAGATCA-G. GRCh37 (hg19) VCF-style: chrX-85213944-GATTAGAAGATCA-G.
Other names: c.285_296del, p.Asp96_Ile99del (NM_001320959.1, NM_001362517.1, NM_001362518.2 and 1 more transcripts).
Identifiers: ClinVar variation 5004875 (VCV005004875.1).